The following is an entry in ClinVar:

ClinVar aggregate classification (germline): Conflicting classifications of pathogenicity. Review status: criteria provided, conflicting classifications (1 of 4 stars). 6 submissions from 6 submitters: Uncertain significance (5); Likely benign (1). Last evaluated 2025-09-04.

Conditions:
Cardiovascular phenotype. Identifiers: MedGen CN230736.
Catecholaminergic polymorphic ventricular tachycardia (CVPT). Also called: Catecholamine-induced polymorphic ventricular tachycardia. Identifiers: Orphanet 3286, MedGen C5574922, MONDO:0017990.
Catecholaminergic polymorphic ventricular tachycardia 1. Also called: RYR2-Related Catecholaminergic Polymorphic Ventricular Tachycardia; VENTRICULAR TACHYCARDIA, STRESS-INDUCED POLYMORPHIC 1; VENTRICULAR TACHYCARDIA, CATECHOLAMINERGIC POLYMORPHIC, 1, WITH OR WITHOUT ATRIAL DYSFUNCTION AND/OR DILATED CARDIOMYOPATHY. Identifiers: Orphanet 3286, MedGen C1631597, MONDO:0011484, OMIM 604772.
RYR2-related disorder. Also called: RYR2-related condition.
Cardiomyopathy (CMYO). Also called: Cardiomyopathies. Identifiers: Orphanet 167848, MedGen C0878544, MONDO:0004994, HP:0001638. Inheritance: Various modes of inheritance.

Allele frequency attached by ClinVar (database versions not stated): ExAC 0.00001; gnomAD 0.00001; gnomAD exomes 0.00001.
gnomAD v4.1: 21 of 1,609,286 alleles (0.0013%); highest among the groups gnomAD compares: African/African-American, 0.0027%; no homozygotes.

Submissions (6):

Color Diagnostics, LLC DBA Color Health
Classification: Uncertain significance for Cardiomyopathy. Last evaluated: 2025-09-04. Review status: criteria provided, single submitter. Criteria: ACMG Guidelines, 2015. Collection method: clinical testing. Allele origin: germline.
Comment: This missense variant replaces alanine with valine at codon 2458 of the RYR2 protein. Computational prediction suggests that this variant may have deleterious impact on protein structure and function. To our knowledge, functional studies have not been reported for this variant. This variant has been reported in an individual affected with arrhythmogenic right ventricular cardiomyopathy (PMID: 36621286). This variant has been identified in 4/273672 chromosomes in the general population by the Genome Aggregation Database (gnomAD). The available evidence is insufficient to determine the role of this variant in disease conclusively. Therefore, this variant is classified as a Variant of Uncertain Significance.

PreventionGenetics, part of Exact Sciences
Classification: Uncertain significance for RYR2-related condition. Last evaluated: 2025-04-24. Review status: criteria provided, single submitter. Criteria: ACMG Guidelines, 2015. Collection method: clinical testing. Allele origin: germline.
Comment: The RYR2 c.7373C>T variant is predicted to result in the amino acid substitution p.Ala2458Val. This variant has been reported in a study of individuals with suspected arrhythmogenic right ventricular cardiomyopathy, however, patient specific details were not provided (Delasnerie et al. 2023. PubMed ID: 36621286). This variant is reported in 0.0043% of alleles in individuals of African descent in gnomAD. At this time, the clinical significance of this variant is uncertain due to the absence of conclusive functional and genetic evidence.

Labcorp Genetics (formerly Invitae), Labcorp
Classification: Uncertain significance for Catecholaminergic polymorphic ventricular tachycardia 1. Last evaluated: 2024-12-18. Review status: criteria provided, single submitter. Criteria: Invitae Variant Classification Sherloc (09022015). Collection method: clinical testing. Allele origin: germline.
Comment: This sequence change replaces alanine, which is neutral and non-polar, with valine, which is neutral and non-polar, at codon 2458 of the RYR2 protein (p.Ala2458Val). The frequency data for this variant in the population databases is considered unreliable, as metrics indicate poor data quality at this position in the gnomAD database. This variant has not been reported in the literature in individuals affected with RYR2-related conditions. ClinVar contains an entry for this variant (Variation ID: 920004). Invitae Evidence Modeling of protein sequence and biophysical properties (such as structural, functional, and spatial information, amino acid conservation, physicochemical variation, residue mobility, and thermodynamic stability) indicates that this missense variant is expected to disrupt RYR2 protein function with a positive predictive value of 95%. In summary, the available evidence is currently insufficient to determine the role of this variant in disease. Therefore, it has been classified as a Variant of Uncertain Significance.

Ambry Genetics
Classification: Uncertain significance for Cardiovascular phenotype. Last evaluated: 2024-10-23. Review status: criteria provided, single submitter. Criteria: Ambry Variant Classification Scheme 2023. Collection method: clinical testing. Allele origin: germline.
Comment: The c.7373C>T (p.A2458V) alteration is located in exon 49 (coding exon 49) of the RYR2 gene. This alteration results from a C to T substitution at nucleotide position 7373, causing the alanine (A) at amino acid position 2458 to be replaced by a valine (V). Based on data from gnomAD, the T allele has an overall frequency of 0.002% (4/273672) total alleles studied. The highest observed frequency was 0.004% (1/23486) of African alleles. This amino acid position is highly conserved in available vertebrate species. This alteration is predicted to be deleterious by in silico analysis. Based on insufficient or conflicting evidence, the clinical significance of this alteration remains unclear.

Blueprint Genetics
Classification: Likely benign. Last evaluated: 2024-09-15. Review status: criteria provided, single submitter. Criteria: ACMG Guidelines, 2015. Collection method: clinical testing. Allele origin: germline.

All of Us Research Program, National Institutes of Health
Classification: Uncertain significance for Catecholaminergic polymorphic ventricular tachycardia. Last evaluated: 2024-02-05. Review status: criteria provided, single submitter. Criteria: ACMG Guidelines, 2015. Collection method: clinical testing. Allele origin: germline. Inheritance: Autosomal dominant inheritance. Observed: 4 variant alleles, 4 heterozygotes.
Comment: This missense variant replaces alanine with valine at codon 2458 of the RYR2 protein. Computational prediction tool suggests that this variant may have deleterious impact on protein structure and function (internally defined REVEL score threshold >=0.7, PMID: 27666373). Splice site prediction tools suggest that this variant may not impact RNA splicing. To our knowledge, functional studies have not been performed for this variant. This variant has not been reported in individuals affected with cardiovascular disorders in the literature. This variant has been identified in 4/273672 chromosomes in the general population by the Genome Aggregation Database (gnomAD). The available evidence is insufficient to determine the role of this variant in disease conclusively. Therefore, this variant is classified as a Variant of Uncertain Significance.

This study involves interpretation of variants in research participants for the purpose of population health screening. Participant phenotype was not available at the time of variant classification. Additional details can be found in publication PMID: 35346344, PMCID: PMC8962531

Literature cited by the submitters: PubMed 36621286 (cited by Color Diagnostics, LLC DBA Color Health).

NM_001035.3(RYR2):c.7373C>T (p.Ala2458Val)

Gene: RYR2 (ryanodine receptor 2; plus strand). Cytogenetic location: 1q43.
Variant type: single nucleotide variant.
Coding change: c.7373C>T on transcript NM_001035.3 (MANE Select); coding-DNA position 7373, C replaced by T.
Protein change: p.Ala2458Val; replaces alanine 2458 with valine.
Molecular consequence: missense variant.
Genome position (GRCh38, 1-based): chr1:237,648,474, C>T. VCF-style: chr1-237648474-C-T. GRCh37 (hg19) VCF-style: chr1-237811774-C-T.
Other names: c.7373C>T (NM_001035.2); short protein forms A2458V.
Identifiers: ClinVar variation 920004 (VCV000920004.18), dbSNP rs768478443, ClinGen allele CA087380.